The following is an entry in ClinVar:

ClinVar aggregate classification (germline): Pathogenic/Likely pathogenic. Review status: criteria provided, multiple submitters, no conflicts (2 of 4 stars). 2 submissions from 2 submitters: Pathogenic (1); Likely pathogenic (1). Last evaluated 2025-11-27.

Allele frequency attached by ClinVar (database versions not stated): gnomAD exomes below 0.00001; TOPMed below 0.00001; ExAC 0.00001.
gnomAD v4.1: 7 of 1,611,650 alleles (0.00043%); highest among the groups gnomAD compares: Non-Finnish European, 0.00059%; no homozygotes.

Submissions (2):

Labcorp Genetics (formerly Invitae), Labcorp
Classification: Pathogenic. Last evaluated: 2025-11-27. Review status: criteria provided, single submitter. Criteria: Invitae Variant Classification Sherloc (09022015). Collection method: clinical testing. Allele origin: germline.
Comment: This sequence change replaces tryptophan, which is neutral and slightly polar, with arginine, which is basic and polar, at codon 279 of the APTX protein (p.Trp279Arg). This variant is present in population databases (rs773393618, gnomAD 0.0009%). This missense change has been observed in individuals with ataxia with oculomotor apraxia type 1 (PMID: 14506070, 21465257). ClinVar contains an entry for this variant (Variation ID: 430092). Invitae Evidence Modeling of protein sequence and biophysical properties (such as structural, functional, and spatial information, amino acid conservation, physicochemical variation, residue mobility, and thermodynamic stability) indicates that this missense variant is expected to disrupt APTX protein function with a positive predictive value of 80%. Experimental studies have shown that this missense change affects APTX function (PMID: 15790557). For these reasons, this variant has been classified as Pathogenic.

GeneDx
Classification: Likely pathogenic. Last evaluated: 2022-02-22. Review status: criteria provided, single submitter. Criteria: GeneDx Variant Classification Process June 2021. Collection method: clinical testing. Allele origin: germline. Affected: yes.
Comment: Published functional studies demonstrate a damaging effect indicating that W279R is associated with significantly decreased catalytic activity (Seidle et al., 2005); In silico analysis supports that this missense variant has a deleterious effect on protein structure/function; Not observed at significant frequency in large population cohorts (gnomAD); Reported previously in association with ataxia with oculomotor apraxia type I (AOA1) in two siblings who also harbored a splice site variant in the APTX gene, although the phase of these variants was not confirmed (Le Ber et al., 2003); This variant is associated with the following publications: (PMID: 25525159, 28277561, 29934293, 15790557, 27470939, 14506070)

Literature cited by the submitters: PubMed 14506070 (cited by Labcorp Genetics (formerly Invitae), Labcorp); PubMed 21465257 (cited by Labcorp Genetics (formerly Invitae), Labcorp); PubMed 15790557 (cited by Labcorp Genetics (formerly Invitae), Labcorp).

NM_001195248.2(APTX):c.835T>C (p.Trp279Arg)

Gene: APTX (aprataxin; minus strand). Cytogenetic location: 9p21.1.
Variant type: single nucleotide variant.
Coding change: c.835T>C on transcript NM_001195248.2 (MANE Select); coding-DNA position 835, T replaced by C.
Protein change: p.Trp279Arg; replaces tryptophan 279 with arginine.
Molecular consequence: missense variant. On other transcripts: non-coding transcript variant (13).
Genome position (GRCh38, 1-based): chr9:32,974,497, A>G on the plus strand (T>C on the coding strand, the complement: APTX is on the minus strand). VCF-style: chr9-32974497-A-G. GRCh37 (hg19) VCF-style: chr9-32974495-A-G.
Other names: c.835T>C, p.Trp279Arg (NM_001195249.2, NM_001195251.2, NM_001368995.1 and 6 more transcripts); c.673T>C, p.Trp225Arg (NM_001195250.2, NM_001195254.2, NM_001369000.1 and 1 more transcripts); c.619T>C, p.Trp207Arg (NM_001195252.2); c.571T>C, p.Trp191Arg (NM_001369002.1, NM_001369003.1, NM_001369004.1 and 5 more transcripts); short protein forms W279R, W207R, W191R, W225R.
Identifiers: ClinVar variation 430092 (VCV000430092.9), dbSNP rs773393618, ClinGen allele CA5022298.